The following is an entry in ClinVar:

NM_001018115.3(FANCD2):c.2833A>G (p.Ile945Val)

Genes: FANCD2 (FA complementation group D2; plus strand), LOC107303338 (3p25 FANCD2 Alu-mediated recombination region; plus strand). Cytogenetic location: 3p25.3.
Variant type: single nucleotide variant.
Coding change: c.2833A>G on transcript NM_001018115.3 (MANE Select); coding-DNA position 2833, A replaced by G.
Protein change: p.Ile945Val; replaces isoleucine 945 with valine.
Molecular consequence: missense variant.
Genome position (GRCh38, 1-based): chr3:10,074,647, A>G. VCF-style: chr3-10074647-A-G. GRCh37 (hg19) VCF-style: chr3-10116331-A-G.
Other names: c.2833A>G (NM_033084.4); c.2833A>G, p.Ile945Val (NM_001319984.2, NM_001374254.1, NM_033084.6); c.2722A>G, p.Ile908Val (NM_001374253.1); short protein forms I908V, I945V.
Identifiers: ClinVar variation 1390894 (VCV001390894.7), dbSNP rs1365150085, ClinGen allele CA351744603.

ClinVar aggregate classification (germline): Uncertain significance. Review status: criteria provided, multiple submitters, no conflicts (2 of 4 stars). 2 submissions from 2 submitters: Uncertain significance (2). Last evaluated 2024-05-14.

Conditions:
Fanconi anemia complementation group D2. Also called: FANCONI PANCYTOPENIA, TYPE 4; FANCONI ANEMIA, COMPLEMENTATION GROUP D; FANCD2-Related Fanconi Anemia. Identifiers: Orphanet 84, MedGen C3160738, MONDO:0009214, OMIM 227646.
Fanconi anemia (FA). Also called: Fanconi's anemia. Identifiers: Orphanet 84, MedGen C0015625, MeSH D005199, MONDO:0019391.

Allele frequency attached by ClinVar (database versions not stated): gnomAD exomes below 0.00001.

Submissions (2):

Fulgent Genetics
Classification: Uncertain significance for Fanconi anemia complementation group D2. Last evaluated: 2024-05-14. Review status: criteria provided, single submitter. Criteria: ACMG Guidelines, 2015. Collection method: clinical testing. Allele origin: germline.

Labcorp Genetics (formerly Invitae), Labcorp
Classification: Uncertain significance for Fanconi anemia. Last evaluated: 2021-11-02. Review status: criteria provided, single submitter. Criteria: Invitae Variant Classification Sherloc (09022015). Collection method: clinical testing. Allele origin: germline.
Comment: This variant is present in population databases (no rsID available, gnomAD 0.0009%). This sequence change replaces isoleucine, which is neutral and non-polar, with valine, which is neutral and non-polar, at codon 945 of the FANCD2 protein (p.Ile945Val). This variant has not been reported in the literature in individuals affected with FANCD2-related conditions. Algorithms developed to predict the effect of missense changes on protein structure and function (SIFT, PolyPhen-2, Align-GVGD) all suggest that this variant is likely to be tolerated. In summary, the available evidence is currently insufficient to determine the role of this variant in disease. Therefore, it has been classified as a Variant of Uncertain Significance.